The following is an entry in ClinVar:

ClinVar aggregate classification (germline): Uncertain significance. Review status: criteria provided, multiple submitters, no conflicts (2 of 4 stars). 2 submissions from 2 submitters: Uncertain significance (2). Last evaluated 2024-09-26.

gnomAD v4.1: 10 of 1,614,096 alleles (0.00062%); highest among the groups gnomAD compares: African/African-American, 0.0013%; no homozygotes.

Submissions (2):

Women's Health and Genetics/Laboratory Corporation of America, LabCorp
Classification: Uncertain significance. Last evaluated: 2024-09-26. Review status: criteria provided, single submitter. Criteria: LabCorp Variant Classification Summary - May 2015. Collection method: clinical testing. Allele origin: germline.
Comment: Variant summary: PPM1D c.1111A>G (p.Ile371Val) results in a conservative amino acid change located in the PPM-type phosphatase-like domain (IPR001932) of the encoded protein sequence. Four of five in-silico tools predict a benign effect of the variant on protein function. The variant allele was found at a frequency of 8e-06 in 251424 control chromosomes. The available data on variant occurrences in the general population are insufficient to allow any conclusion about variant significance. To our knowledge, no occurrence of c.1111A>G in individuals affected with Intellectual Developmental Disorder With Gastrointestinal Difficulties And High Pain Threshold (Jansen De Vries Syndrome) and no experimental evidence demonstrating its impact on protein function have been reported. No submitters have cited clinical-significance assessments for this variant to ClinVar. Based on the evidence outlined above, the variant was classified as uncertain significance.

Labcorp Genetics (formerly Invitae), Labcorp
Classification: Uncertain significance. Last evaluated: 2024-08-27. Review status: criteria provided, single submitter. Criteria: Invitae Variant Classification Sherloc (09022015). Collection method: clinical testing. Allele origin: germline.
Comment: This sequence change replaces isoleucine, which is neutral and non-polar, with valine, which is neutral and non-polar, at codon 371 of the PPM1D protein (p.Ile371Val). This variant is present in population databases (rs750809450, gnomAD 0.004%). This variant has not been reported in the literature in individuals affected with PPM1D-related conditions. An algorithm developed to predict the effect of missense changes on protein structure and function (PolyPhen-2) suggests that this variant is likely to be tolerated. In summary, the available evidence is currently insufficient to determine the role of this variant in disease. Therefore, it has been classified as a Variant of Uncertain Significance.

NM_003620.4(PPM1D):c.1111A>G (p.Ile371Val)

Gene: PPM1D (protein phosphatase, Mg2+/Mn2+ dependent 1D; plus strand). Cytogenetic location: 17q23.2.
Variant type: single nucleotide variant.
Coding change: c.1111A>G on transcript NM_003620.4 (MANE Select); coding-DNA position 1111, A replaced by G.
Protein change: p.Ile371Val; replaces isoleucine 371 with valine.
Molecular consequence: missense variant.
Genome position (GRCh38, 1-based): chr17:60,656,692, A>G. VCF-style: chr17-60656692-A-G. GRCh37 (hg19) VCF-style: chr17-58734053-A-G.
Other names: short protein forms I371V.
Identifiers: ClinVar variation 3375177 (VCV003375177.3).